The following is an entry in ClinVar:

NM_001171155.2(PET100):c.139-15C>T

Genes: PET100 (PET100 cytochrome c oxidase chaperone; plus strand), STXBP2 (syntaxin binding protein 2; plus strand). Cytogenetic location: 19p13.2.
Variant type: single nucleotide variant.
Coding change: c.139-15C>T on transcript NM_001171155.2 (MANE Select); 15 bases into the intron before coding-DNA position 139, C replaced by T.
Molecular consequence: intron variant.
Genome position (GRCh38, 1-based): chr19:7,631,458, C>T. VCF-style: chr19-7631458-C-T. GRCh37 (hg19) VCF-style: chr19-7696344-C-T.
Identifiers: ClinVar variation 385672 (VCV000385672.4), dbSNP rs1057522294, ClinGen allele CA16608320.

ClinVar aggregate classification (germline): Likely benign. Review status: criteria provided, multiple submitters, no conflicts (2 of 4 stars). 2 submissions from 2 submitters: Likely benign (2). Last evaluated 2024-01-29.

Allele frequency attached by ClinVar (database versions not stated): TOPMed 0.00001.
gnomAD v4.1: 19 of 1,533,140 alleles (0.0012%); highest among the groups gnomAD compares: Non-Finnish European, 0.0015%; no homozygotes.

Submissions (2):

Labcorp Genetics (formerly Invitae), Labcorp
Classification: Likely benign. Last evaluated: 2024-01-29. Review status: criteria provided, single submitter. Criteria: Invitae Variant Classification Sherloc (09022015). Collection method: clinical testing. Allele origin: germline.

GeneDx
Classification: Likely benign. Last evaluated: 2016-05-09. Review status: criteria provided, single submitter. Criteria: GeneDx Variant Classification (06012015). Collection method: clinical testing. Allele origin: germline. Affected: yes.
Comment: This variant is considered likely benign or benign based on one or more of the following criteria: it is a conservative change, it occurs at a poorly conserved position in the protein, it is predicted to be benign by multiple in silico algorithms, and/or has population frequency not consistent with disease.